The following is an entry in ClinVar:

NM_000059.4(BRCA2):c.9022del (p.Ile3008fs)

Gene: BRCA2 (BRCA2 DNA repair associated; plus strand). Cytogenetic location: 13q13.1.
Variant type: Deletion.
Coding change: c.9022del on transcript NM_000059.4 (MANE Select); coding-DNA position 9022, one base deleted (A; older notation c.9022delA).
Protein change: p.Ile3008fs; shifts the reading frame from isoleucine 3008.
Molecular consequence: frameshift variant. On other transcripts: non-coding transcript variant (1).
Genome position (GRCh38, 1-based): chr13:32,379,818, A deleted; the last of 2 consecutive A bases (chr13:32,379,817-32,379,818); deleting either gives the same sequence. VCF-style (leftmost placement, unchanged base first): chr13-32379816-GA-G. GRCh37 (hg19) VCF-style: chr13-32953953-GA-G.
Other names: c.8926del, p.Ile2976fs (NM_001406719.1); c.8971del, p.Ile2991fs (NM_001406720.1); c.4090del, p.Ile1364fs (NM_001406721.1); c.2605del, p.Ile869fs (NM_001406722.1); c.9022del, p.Ile3008fs (NM_001432077.1); short protein forms I1364fs, I2991fs, I2976fs, I3008fs, I869fs.
Identifiers: ClinVar variation 4628647 (VCV004628647.1).

ClinVar aggregate classification (germline): Pathogenic (1 of 4 stars; one submission).

Conditions:
Hereditary cancer-predisposing syndrome. Also called: Neoplastic Syndromes, Hereditary; Tumor predisposition; Hereditary Cancer Syndrome; Hereditary neoplastic syndrome. Identifiers: Orphanet 140162, MedGen C0027672, MeSH D009386, MONDO:0015356.

Submission:

Ambry Genetics
Classification: Pathogenic for Hereditary cancer-predisposing syndrome. Last evaluated: 2025-09-30. Review status: criteria provided, single submitter. Criteria: Ambry Variant Classification Scheme 2023. Collection method: clinical testing. Allele origin: germline.
Comment: The c.9022delA pathogenic mutation, located in coding exon 22 of the BRCA2 gene, results from a deletion of one nucleotide at nucleotide position 9022, causing a translational frameshift with a predicted alternate stop codon (p.I3008Ffs*20). This variant is considered to be rare based on population cohorts in the Genome Aggregation Database (gnomAD). This alteration is expected to result in loss of function by premature protein truncation or nonsense-mediated mRNA decay. As such, this alteration is interpreted as a disease-causing mutation.